The following is an entry in ClinVar:

NM_018847.4(KLHL9):c.780G>T (p.Met260Ile)

Gene: KLHL9 (kelch like family member 9; minus strand). Cytogenetic location: 9p21.3.
Variant type: single nucleotide variant.
Coding change: c.780G>T on transcript NM_018847.4 (MANE Select); coding-DNA position 780, G replaced by T.
Protein change: p.Met260Ile; replaces methionine 260 with isoleucine.
Molecular consequence: missense variant.
Genome position (GRCh38, 1-based): chr9:21,334,080, C>A on the plus strand (G>T on the coding strand, the complement: KLHL9 is on the minus strand). VCF-style: chr9-21334080-C-A. GRCh37 (hg19) VCF-style: chr9-21334079-C-A.
Other names: short protein forms M260I.
Identifiers: ClinVar variation 2965066 (VCV002965066.3), dbSNP rs780333498, ClinGen allele CA373071270.

ClinVar aggregate classification (germline): Uncertain significance (1 of 4 stars; one submission).

Submission:

Labcorp Genetics (formerly Invitae), Labcorp
Classification: Uncertain significance. Last evaluated: 2023-09-15. Review status: criteria provided, single submitter. Criteria: Invitae Variant Classification Sherloc (09022015). Collection method: clinical testing. Allele origin: germline.
Comment: Advanced modeling of protein sequence and biophysical properties (such as structural, functional, and spatial information, amino acid conservation, physicochemical variation, residue mobility, and thermodynamic stability) performed at Invitae indicates that this missense variant is not expected to disrupt KLHL9 protein function. In summary, the available evidence is currently insufficient to determine the role of this variant in disease. Therefore, it has been classified as a Variant of Uncertain Significance. This variant has not been reported in the literature in individuals affected with KLHL9-related conditions. This variant is not present in population databases (gnomAD no frequency). This sequence change replaces methionine, which is neutral and non-polar, with isoleucine, which is neutral and non-polar, at codon 260 of the KLHL9 protein (p.Met260Ile).